The following is an entry in ClinVar:

NM_001371395.1(USP53):c.558A>G (p.Thr186=)

Gene: USP53 (ubiquitin specific peptidase 53; plus strand). Cytogenetic location: 4q26.
Variant type: single nucleotide variant.
Coding change: c.558A>G on transcript NM_001371395.1 (MANE Select); coding-DNA position 558, A replaced by G.
Protein change: p.Thr186=; no amino-acid change (threonine 186 retained).
Molecular consequence: synonymous variant.
Genome position (GRCh38, 1-based): chr4:119,256,512, A>G. VCF-style: chr4-119256512-A-G. GRCh37 (hg19) VCF-style: chr4-120177667-A-G.
Other names: c.558A>G, p.Thr186= (NM_001371396.1, NM_001371397.1, NM_001371398.1 and 6 more transcripts); c.210A>G, p.Thr70= (NM_001389662.1, NM_001389663.1, NM_001389664.1 and 3 more transcripts).
Identifiers: ClinVar variation 4982499 (VCV004982499.1).

ClinVar aggregate classification (germline): Likely benign (1 of 4 stars; one submission).

Conditions:
USP53-related disorder. Also called: USP53-related condition.

gnomAD v4.1: 132 of 1,614,034 alleles (0.0082%); highest among the groups gnomAD compares: Non-Finnish European, 0.011%; no homozygotes.

Submission:

PreventionGenetics, part of Exact Sciences
Classification: Likely benign for USP53-related condition. Last evaluated: 2026-07-26. Review status: criteria provided, single submitter. Criteria: ACMG Guidelines, 2015. Collection method: clinical testing. Allele origin: germline.
Comment: This variant is classified as likely benign based on ACMG/AMP sequence variant interpretation guidelines (Richards et al. 2015 PMID: 25741868, with internal and published modifications).